The following is an entry in ClinVar:

NM_001261826.3(AP3D1):c.1429G>A (p.Gly477Arg)

Gene: AP3D1 (adaptor related protein complex 3 subunit delta 1; minus strand). Cytogenetic location: 19p13.3.
Variant type: single nucleotide variant.
Coding change: c.1429G>A on transcript NM_001261826.3 (MANE Select); coding-DNA position 1429, G replaced by A.
Protein change: p.Gly477Arg; replaces glycine 477 with arginine.
Molecular consequence: missense variant.
Genome position (GRCh38, 1-based): chr19:2,120,914, C>T on the plus strand (G>A on the coding strand, the complement: AP3D1 is on the minus strand). VCF-style: chr19-2120914-C-T. GRCh37 (hg19) VCF-style: chr19-2120913-C-T.
Other names: c.1429G>A, p.Gly477Arg (NM_001374799.1, NM_003938.8); short protein forms G477R.
Identifiers: ClinVar variation 4702230 (VCV004702230.1).
Genomic context (GRCh38, chr19:2,120,914, plus strand): 5'-CCACTCACTCTGAGAACTCCCCGCAGATCCAGGCGGCAGCGTACAGCACCTCACAGATCC[C>T]GTTCCGCTGGGTGCTGCTGGCCAGCAGGTGTGCACTGTCAAGCAGCGCAGACATCTGGGA-3'
Protein context (NP_001248755.1, residues 467-487): HLLASSTQRN[Gly477Arg]ICEVLYAAAW

ClinVar aggregate classification (germline): Uncertain significance (1 of 4 stars; one submission).

Submission:

Labcorp Genetics (formerly Invitae), Labcorp
Classification: Uncertain significance. Last evaluated: 2025-10-22. Review status: criteria provided, single submitter. Criteria: Invitae Variant Classification Sherloc (09022015). Collection method: clinical testing. Allele origin: germline.
Comment: This sequence change replaces glycine, which is neutral and non-polar, with arginine, which is basic and polar, at codon 477 of the AP3D1 protein (p.Gly477Arg). This variant is not present in population databases (gnomAD no frequency). This variant has not been reported in the literature in individuals affected with AP3D1-related conditions. An algorithm developed to predict the effect of missense changes on protein structure and function (PolyPhen-2) suggests that this variant is likely to be disruptive. In summary, the available evidence is currently insufficient to determine the role of this variant in disease. Therefore, it has been classified as a Variant of Uncertain Significance.